The following is an entry in ClinVar:

ClinVar aggregate classification (germline): Likely benign. Review status: criteria provided, multiple submitters, no conflicts (2 of 4 stars). 3 submissions from 3 submitters: Likely benign (3). Last evaluated 2026-04-01.

Conditions:
Neuropathy, hereditary sensory and autonomic, type 2A (HSAN2A). Also called: WNK1-Related HSAN2 (HSAN2A); MORVAN DISEASE; NEUROPATHY, CONGENITAL SENSORY; NEUROPATHY, HEREDITARY SENSORY RADICULAR, AUTOSOMAL RECESSIVE; NEUROPATHY, HEREDITARY SENSORY, TYPE IIA; NEUROPATHY, PROGRESSIVE SENSORY, OF CHILDREN. Identifiers: Orphanet 970, MedGen C2752089, MONDO:0024309, OMIM 201300.
Generalized epilepsy with febrile seizures plus, type 7 (GEFSP7). Also called: GEFS+, TYPE 7. Identifiers: Orphanet 36387, MedGen C2751778, MONDO:0013470, OMIM 613863.
Inborn genetic diseases. Identifiers: MedGen C0950123, MeSH D030342.

Allele frequency attached by ClinVar (database versions not stated): TOPMed 0.00001.
gnomAD v4.1: 6 of 1,613,628 alleles (0.00037%); highest among the groups gnomAD compares: Non-Finnish European, 0.00051%; no homozygotes.

Submissions (3):

CeGaT Center for Human Genetics Tuebingen
Classification: Likely benign. Last evaluated: 2026-04-01. Review status: criteria provided, single submitter. Criteria: CeGaT Center For Human Genetics Tuebingen Variant Classification Criteria Version 2. Collection method: clinical testing. Allele origin: germline. Affected: yes. Observed: 1 variant allele.
Comment: SCN9A: BP4

Labcorp Genetics (formerly Invitae), Labcorp
Classification: Likely benign for Neuropathy, hereditary sensory and autonomic, type 2A; Generalized epilepsy with febrile seizures plus, type 7. Last evaluated: 2025-01-31. Review status: criteria provided, single submitter. Criteria: Invitae Variant Classification Sherloc (09022015). Collection method: clinical testing. Allele origin: germline.

Ambry Genetics
Classification: Likely benign for Inborn genetic diseases. Last evaluated: 2019-07-11. Review status: criteria provided, single submitter. Criteria: Ambry Variant Classification Scheme 2023. Collection method: clinical testing. Allele origin: germline.

NM_001365536.1(SCN9A):c.750C>T (p.Ile250=)

Gene: SCN9A (sodium voltage-gated channel alpha subunit 9; minus strand). Cytogenetic location: 2q24.3.
Variant type: single nucleotide variant.
Coding change: c.750C>T on transcript NM_001365536.1 (MANE Select); coding-DNA position 750, C replaced by T.
Protein change: p.Ile250=; no amino-acid change (isoleucine 250 retained).
Molecular consequence: synonymous variant.
Genome position (GRCh38, 1-based): chr2:166,303,241, G>A on the plus strand (C>T on the coding strand, the complement: SCN9A is on the minus strand). VCF-style: chr2-166303241-G-A. GRCh37 (hg19) VCF-style: chr2-167159751-G-A.
Other names: c.750C>T, p.Ile250= (NM_002977.4).
Identifiers: ClinVar variation 471164 (VCV000471164.15), dbSNP rs1055160615, ClinGen allele CA429909947.